The following is an entry in ClinVar:

ClinVar aggregate classification (germline): Benign/Likely benign. Review status: criteria provided, multiple submitters, no conflicts (2 of 4 stars). 10 submissions from 9 submitters: Benign (6); Likely benign (2). 2 of the submissions do not count toward it. Last evaluated 2026-02-04.

Conditions:
Fibromuscular dysplasia, multifocal. Identifiers: MedGen C5543412, MONDO:0859151, OMIM 619329.
Ehlers-Danlos syndrome, classic type, 1 (EDSCL1). Also called: EHLERS-DANLOS SYNDROME, GRAVIS TYPE; EHLERS-DANLOS SYNDROME, SEVERE CLASSIC TYPE; Ehlers-Danlos syndrome, type 1; Ehlers-Danlos Syndrome, Classic Type, COL5A1-Related; EDS I. Identifiers: MedGen C0268335, MONDO:0019567, OMIM 130000.

Submissions (10):

Labcorp Genetics (formerly Invitae), Labcorp
Classification: Benign for Ehlers-Danlos syndrome, classic type, 1. Last evaluated: 2026-02-04. Review status: criteria provided, single submitter. Criteria: Invitae Variant Classification Sherloc (09022015). Collection method: clinical testing. Allele origin: germline.

ARUP Laboratories, Molecular Genetics and Genomics, ARUP Laboratories
Classification: Benign. Last evaluated: 2025-06-02. Review status: criteria provided, single submitter. Criteria: ARUP Molecular Germline Variant Investigation Process 2024. Collection method: clinical testing. Allele origin: germline.

Blueprint Genetics
Classification: Likely benign. Last evaluated: 2024-11-08. Review status: criteria provided, single submitter. Criteria: ACMG Guidelines, 2015. Collection method: clinical testing. Allele origin: germline.

Women's Health and Genetics/Laboratory Corporation of America, LabCorp
Classification: Benign. Last evaluated: 2023-10-29. Review status: criteria provided, single submitter. Criteria: LabCorp Variant Classification Summary - May 2015. Collection method: clinical testing. Allele origin: germline.

Genome-Nilou Lab
Classification: Benign for Ehlers-Danlos syndrome, classic type, 1. Last evaluated: 2022-03-15. Review status: criteria provided, single submitter. Criteria: ACMG Guidelines, 2015. Collection method: clinical testing. Allele origin: germline. Affected: no.

Genome-Nilou Lab
Classification: Benign for Fibromuscular dysplasia, multifocal. Last evaluated: 2022-03-15. Review status: criteria provided, single submitter. Criteria: ACMG Guidelines, 2015. Collection method: clinical testing. Allele origin: germline. Affected: no.

GeneDx
Classification: Benign. Last evaluated: 2015-03-03. Review status: criteria provided, single submitter. Criteria: GeneDx Variant Classification (06012015). Collection method: clinical testing. Allele origin: germline. Affected: yes.
Comment: This variant was found in TAAD

PreventionGenetics, part of Exact Sciences
Classification: Likely benign. Review status: criteria provided, single submitter. Criteria: ACMG Guidelines, 2015. Collection method: clinical testing. Allele origin: germline.

Genome Diagnostics Laboratory, Amsterdam University Medical Center
Classification: Likely benign. Review status: no assertion criteria provided. Collection method: clinical testing. Allele origin: germline. Affected: yes. Study: VKGL Data-share Consensus. Not counted in ClinVar's aggregate classification.

Genome Diagnostics Laboratory, University Medical Center Utrecht
Classification: Likely benign. Review status: no assertion criteria provided. Collection method: clinical testing. Allele origin: germline. Affected: yes. Study: VKGL Data-share Consensus. Not counted in ClinVar's aggregate classification.

NM_000093.5(COL5A1):c.1390-18CT[3]

Gene: COL5A1 (collagen type V alpha 1 chain; plus strand). Cytogenetic location: 9q34.3.
Variant type: Microsatellite.
Coding change: c.1390-18CT[3] on transcript NM_000093.5 (MANE Select); three copies in a row of the 2-base unit CT starting at c.1390-18; the reference has four copies in a row; one copy, 2 bases deleted.
Molecular consequence: intron variant.
Genome position (GRCh38, 1-based): chr9:134,738,462-134,738,463, CT deleted; deleting any 2 consecutive bases within chr9:134,738,456-134,738,463 gives the same sequence; the position shown is the placement nearest the transcript's 3' end. VCF-style (leftmost placement, unchanged base first): chr9-134738455-CCT-C. GRCh37 (hg19) VCF-style: chr9-137630301-CCT-C.
Other names: c.1390-12_1390-11delCT (NM_000093.4, NM_000093.5, NM_000093.3); c.1390-18CT[3] (NM_001278074.1).
Identifiers: ClinVar variation 212931 (VCV000212931.16), dbSNP rs863223441, ClinGen allele CA320182.
Genomic context (GRCh38, chr9:134,738,455, plus strand): 5'-AGGCCGTCCACACCACTGGGGTCTGGGGTGTCGGGAGGGATGGGCTGCGGTCTCAGACGC[CCT>C]CTCTCTGTCTCCCCAGGGCATGCTCATCGAGGGCCCGCCTGGCCCAGAAGGCCCCGCGGT-3'